The following is an entry in ClinVar:

ClinVar aggregate classification (germline): Benign/Likely benign. Review status: criteria provided, multiple submitters, no conflicts (2 of 4 stars). 2 submissions from 2 submitters: Benign (1); Likely benign (1). Last evaluated 2026-06-01.

Allele frequency attached by ClinVar (database versions not stated): gnomAD 0.00035; gnomAD exomes 0.00042; ExAC 0.00059; TOPMed 0.00060; ESP Exome Variant Server 0.00062.
gnomAD v4.1: 696 of 1,613,896 alleles (0.043%); highest among the groups gnomAD compares: Middle Eastern, 0.099%; no homozygotes.

Submissions (2):

CeGaT Center for Human Genetics Tuebingen
Classification: Likely benign. Last evaluated: 2026-06-01. Review status: criteria provided, single submitter. Criteria: CeGaT Center For Human Genetics Tuebingen Variant Classification Criteria Version 2. Collection method: clinical testing. Allele origin: germline. Affected: yes. Observed: 1 variant allele.
Comment: ZEB1: BP4, BP7

Labcorp Genetics (formerly Invitae), Labcorp
Classification: Benign. Last evaluated: 2025-05-26. Review status: criteria provided, single submitter. Criteria: Invitae Variant Classification Sherloc (09022015). Collection method: clinical testing. Allele origin: germline.

NM_001174096.2(ZEB1):c.2706T>C (p.Asn902=)

Gene: ZEB1 (zinc finger E-box binding homeobox 1; plus strand). Cytogenetic location: 10p11.22.
Variant type: single nucleotide variant.
Coding change: c.2706T>C on transcript NM_001174096.2 (MANE Select); coding-DNA position 2706, T replaced by C.
Protein change: p.Asn902=; no amino-acid change (asparagine 902 retained).
Molecular consequence: synonymous variant.
Genome position (GRCh38, 1-based): chr10:31,524,034, T>C. VCF-style: chr10-31524034-T-C. GRCh37 (hg19) VCF-style: chr10-31812962-T-C.
Other names: c.2655T>C, p.Asn885= (NM_001128128.3); c.2643T>C, p.Asn881= (NM_001174093.2); c.2652T>C, p.Asn884= (NM_001174094.2); c.2502T>C, p.Asn834= (NM_001174095.2); c.2049T>C, p.Asn683= (NM_001323638.2, NM_001323641.2, NM_001323642.2 and 27 more transcripts); c.2481T>C, p.Asn827= (NM_001323674.2); c.2439T>C, p.Asn813= (NM_001323675.2); c.2664T>C, p.Asn888= (NM_001323676.2); and 3 more.
Identifiers: ClinVar variation 2843127 (VCV002843127.5), dbSNP rs147142042, ClinGen allele CA5461844.